The following is an entry in ClinVar:

ClinVar aggregate classification (germline): Benign. Review status: criteria provided, multiple submitters, no conflicts (2 of 4 stars). 3 submissions from 3 submitters: Benign (2). 1 of the submissions does not count toward it. Last evaluated 2018-10-09.

Conditions:
CCDC18-related disorder. Also called: CCDC18-related condition.

Allele frequency attached by ClinVar (database versions not stated): gnomAD exomes 0.00135 and 0.00362; gnomAD 0.01552 and 0.01455; 1000 Genomes Project 0.01617; 1000 Genomes Project 30x 0.01843; TOPMed 0.01631; ExAC 0.00419; ESP Exome Variant Server 0.01365.

Submissions (3):

Labcorp Genetics (formerly Invitae), Labcorp
Classification: Benign. Last evaluated: 2018-10-09. Review status: criteria provided, single submitter. Criteria: Invitae Variant Classification Sherloc (09022015). Collection method: clinical testing. Allele origin: germline.

Breakthrough Genomics
Classification: Benign. Review status: criteria provided, single submitter. Criteria: ACMG Guidelines, 2015. Collection method: not provided. Allele origin: germline. Inheritance: Unknown mechanism. Affected: yes.

PreventionGenetics, part of Exact Sciences
Classification: Benign for CCDC18-related condition. Last evaluated: 2019-03-12. Review status: no assertion criteria provided. Collection method: clinical testing. Allele origin: germline. Not counted in ClinVar's aggregate classification.
Comment: This variant is classified as benign based on ACMG/AMP sequence variant interpretation guidelines (Richards et al. 2015 PMID: 25741868, with internal and published modifications).

NM_001378204.1(CCDC18):c.2451T>G (p.Leu817=)

Gene: CCDC18 (coiled-coil domain containing 18; plus strand). Cytogenetic location: 1p22.1.
Variant type: single nucleotide variant.
Coding change: c.2451T>G on transcript NM_001378204.1 (MANE Select); coding-DNA position 2451, T replaced by G.
Protein change: p.Leu817=; no amino-acid change (leucine 817 retained).
Molecular consequence: synonymous variant.
Genome position (GRCh38, 1-based): chr1:93,232,584, T>G. VCF-style: chr1-93232584-T-G. GRCh37 (hg19) VCF-style: chr1-93698141-T-G.
Other names: c.2448T>G, p.Leu816= (NM_001306076.1); c.2451T>G, p.Leu817= (NM_206886.4).
Identifiers: ClinVar variation 786465 (VCV000786465.6), dbSNP rs78187035, ClinGen allele CA954335.